The following is an entry in ClinVar:

NM_001042492.3(NF1):c.1007G>A (p.Trp336Ter)

Gene: NF1 (neurofibromin 1; plus strand). Cytogenetic location: 17q11.2.
Variant type: single nucleotide variant.
Coding change: c.1007G>A on transcript NM_001042492.3 (MANE Select); coding-DNA position 1007, G replaced by A.
Protein change: p.Trp336Ter; replaces tryptophan 336 with a stop codon.
Molecular consequence: nonsense.
Genome position (GRCh38, 1-based): chr17:31,200,540, G>A. VCF-style: chr17-31200540-G-A. GRCh37 (hg19) VCF-style: chr17-29527558-G-A.
Other names: c.1007G>A, p.Trp336Ter (NM_000267.4, NM_001128147.3); short protein forms W336*.
Identifiers: ClinVar variation 945440 (VCV000945440.9), dbSNP rs2066508712, ClinGen allele CA398996259.

ClinVar aggregate classification (germline): Pathogenic. Review status: criteria provided, multiple submitters, no conflicts (2 of 4 stars). 4 submissions from 4 submitters: Pathogenic (4). Last evaluated 2025-04-07.

Conditions:
Neurofibromatosis, type 1 (NF1). Also called: Neurofibromatosis, type I; VON RECKLINGHAUSEN DISEASE; NEUROFIBROMATOSIS, TYPE I, SOMATIC; Peripheral type neurofibromatosis. Identifiers: Orphanet 636, MedGen C0027831, MONDO:0018975, OMIM 162200. Disease mechanism: loss of function.

Submissions (4):

Dasa
Classification: Pathogenic. Last evaluated: 2025-04-07. Review status: criteria provided, single submitter. Criteria: DASA Assertion Criteria. Collection method: clinical testing. Allele origin: germline.
Comment: NM_001042492.3(NF1):c.1007G>A (p.Trp336*) introduces a premature termination codon predicted to result in loss of normal protein function. Loss-of-function is an established mechanism of disease for this gene. This variant has been reported in individuals with related phenotype (PMID: 10874316). The variant is present at low frequency in population datasets. Based on the available data, this variant is classified as pathogenic.

Labcorp Genetics (formerly Invitae), Labcorp
Classification: Pathogenic for Neurofibromatosis, type 1. Last evaluated: 2025-02-06. Review status: criteria provided, single submitter. Criteria: Invitae Variant Classification Sherloc (09022015). Collection method: clinical testing. Allele origin: germline.
Comment: This sequence change creates a premature translational stop signal (p.Trp336*) in the NF1 gene. RNA analysis indicates that this premature translational stop signal induces altered splicing and likely results in a shortened protein product. This variant is not present in population databases (gnomAD no frequency). This premature translational stop signal has been observed in individual(s) with clinical features of neurofibromatosis type 1 (PMID: 10874316; internal data). ClinVar contains an entry for this variant (Variation ID: 945440). Studies have shown that this premature translational stop signal results in skipping of skipping of exon 9, but is expected to preserve the integrity of the reading-frame (PMID: 26509978). This variant disrupts the p.Ala330 amino acid residue in NF1. Other variant(s) that disrupt this residue have been determined to be pathogenic (PMID: 17311297, 23758643, 23913538). This suggests that this residue is clinically significant, and that variants that disrupt this residue are likely to be disease-causing. For these reasons, this variant has been classified as Pathogenic.

Molecular Pathology, Peter Maccallum Cancer Centre
Classification: Pathogenic for Neurofibromatosis, type 1. Last evaluated: 2025-02-06. Review status: criteria provided, single submitter. Criteria: ACMG Guidelines, 2015. Collection method: clinical testing. Allele origin: germline. Inheritance: Autosomal dominant inheritance.

GeneDx
Classification: Pathogenic. Last evaluated: 2023-06-14. Review status: criteria provided, single submitter. Criteria: GeneDx Variant Classification Process June 2021. Collection method: clinical testing. Allele origin: germline. Affected: yes.
Comment: Nonsense variant predicted to result in protein truncation or nonsense mediated decay in a gene for which loss of function is a known mechanism of disease; Not observed at significant frequency in large population cohorts (gnomAD); This variant is associated with the following publications: (PMID: 25525159, 23758643, 17311297, 23913538, 15523642, 26509978, 10874316)

Literature cited by the submitters: PubMed 10874316 (cited by Dasa and Labcorp Genetics (formerly Invitae), Labcorp); PubMed 26509978 (cited by Labcorp Genetics (formerly Invitae), Labcorp); PubMed 17311297 (cited by Labcorp Genetics (formerly Invitae), Labcorp); PubMed 23758643 (cited by Labcorp Genetics (formerly Invitae), Labcorp); PubMed 23913538 (cited by Labcorp Genetics (formerly Invitae), Labcorp).